The following is an entry in ClinVar:

ClinVar aggregate classification (germline): Uncertain significance (1 of 4 stars; one submission).

Submission:

GeneDx
Classification: Uncertain significance. Last evaluated: 2022-04-08. Review status: criteria provided, single submitter. Criteria: GeneDx Variant Classification Process June 2021. Collection method: clinical testing. Allele origin: germline. Affected: yes.
Comment: Not observed at significant frequency in large population cohorts (gnomAD); Nonsense variant predicted to result in protein truncation or nonsense mediated decay in a gene or region of a gene for which loss of function is not a well-established mechanism of disease; Has not been previously published as pathogenic or benign to our knowledge

NM_001205293.3(CACNA1E):c.2350C>T (p.Gln784Ter)

Gene: CACNA1E (calcium voltage-gated channel subunit alpha1 E; plus strand). Cytogenetic location: 1q25.3.
Variant type: single nucleotide variant.
Coding change: c.2350C>T on transcript NM_001205293.3 (MANE Select); coding-DNA position 2350, C replaced by T.
Protein change: p.Gln784Ter; replaces glutamine 784 with a stop codon.
Molecular consequence: nonsense.
Genome position (GRCh38, 1-based): chr1:181,732,436, C>T. VCF-style: chr1-181732436-C-T. GRCh37 (hg19) VCF-style: chr1-181701572-C-T.
Other names: c.2350C>T, p.Gln784Ter (NM_000721.4); c.2293C>T, p.Gln765Ter (NM_001205294.2); short protein forms Q765*, Q784*.
Identifiers: ClinVar variation 1708608 (VCV001708608.2), dbSNP rs2528692359, ClinGen allele CA343617072.